The following is an entry in ClinVar:

NM_004714.3(DYRK1B):c.1353G>A (p.Ser451=)

Gene: DYRK1B (dual specificity tyrosine phosphorylation regulated kinase 1B; minus strand). Cytogenetic location: 19q13.2.
Variant type: single nucleotide variant.
Coding change: c.1353G>A on transcript NM_004714.3 (MANE Select); coding-DNA position 1353, G replaced by A.
Protein change: p.Ser451=; no amino-acid change (serine 451 retained).
Molecular consequence: synonymous variant.
Genome position (GRCh38, 1-based): chr19:39,826,730, C>T on the plus strand (G>A on the coding strand, the complement: DYRK1B is on the minus strand). VCF-style: chr19-39826730-C-T. GRCh37 (hg19) VCF-style: chr19-40317370-C-T.
Other names: c.1233G>A, p.Ser411= (NM_006483.3); c.1269G>A, p.Ser423= (NM_006484.3); c.1353G>A (NM_004714.2).
Identifiers: ClinVar variation 1961403 (VCV001961403.7), dbSNP rs572640359, ClinGen allele CA9434077.
Genomic context (GRCh38, chr19:39,826,730, plus strand): 5'-ACCAGAACTGGAGATGGAGCTGGCGGTGCTGGAAGAGGGGCAGGTGTCGAGGGGCGCGGG[C>T]GAGGTGGAGGCACTGCTGCCTGCCGGGCCCGTGTTGGTGGCCTCGTCGGCCGTGCGGCGG-3'
Protein context (NP_004705.1, residues 441-461): TGPAGSSAST[Ser451=]PAPLDTCPSS

ClinVar aggregate classification (germline): Likely benign. Review status: criteria provided, single submitter (1 of 4 stars). 2 submissions from 2 submitters: Likely benign (1). 1 of the submissions does not count toward it. Last evaluated 2022-05-28.

Conditions:
DYRK1B-related disorder. Also called: DYRK1B-related condition.

Allele frequency attached by ClinVar (database versions not stated): gnomAD 0.00004; ExAC 0.00018; 1000 Genomes Project 0.00040; 1000 Genomes Project 30x 0.00047.
gnomAD v4.1: 85 of 1,600,654 alleles (0.0053%); highest among the groups gnomAD compares: South Asian, 0.033%; no homozygotes.

Submissions (2):

Labcorp Genetics (formerly Invitae), Labcorp
Classification: Likely benign. Last evaluated: 2022-05-28. Review status: criteria provided, single submitter. Criteria: Invitae Variant Classification Sherloc (09022015). Collection method: clinical testing. Allele origin: germline.

PreventionGenetics, part of Exact Sciences
Classification: Likely benign for DYRK1B-related condition. Last evaluated: 2022-11-28. Review status: no assertion criteria provided. Collection method: clinical testing. Allele origin: germline. Not counted in ClinVar's aggregate classification.
Comment: This variant is classified as likely benign based on ACMG/AMP sequence variant interpretation guidelines (Richards et al. 2015 PMID: 25741868, with internal and published modifications).